The following is an entry in ClinVar:

ClinVar aggregate classification (germline): Benign (1 of 4 stars; one submission).

Allele frequency attached by ClinVar (database versions not stated): 1000 Genomes Project 0.20308; 1000 Genomes Project 30x 0.20659; TOPMed 0.29465; gnomAD 0.29621 and 0.30601.
gnomAD v4.1: 186,010 of 662,734 alleles (28%); highest among the groups gnomAD compares: Non-Finnish European, 34%; 29,484 homozygotes.

Submission:

GeneDx
Classification: Benign. Last evaluated: 2018-06-19. Review status: criteria provided, single submitter. Criteria: GeneDx Variant Classification (06012015). Collection method: clinical testing. Allele origin: germline. Affected: yes.
Comment: This variant is considered likely benign or benign based on one or more of the following criteria: it is a conservative change, it occurs at a poorly conserved position in the protein, it is predicted to be benign by multiple in silico algorithms, and/or has population frequency not consistent with disease.

NM_014845.6(FIG4):c.165+100A>T

Gene: FIG4 (FIG4 phosphoinositide 5-phosphatase; plus strand). Cytogenetic location: 6q21.
Variant type: single nucleotide variant.
Coding change: c.165+100A>T on transcript NM_014845.6 (MANE Select); 100 bases into the intron after coding-DNA position 165, A replaced by T.
Molecular consequence: intron variant.
Genome position (GRCh38, 1-based): chr6:109,715,276, A>T. VCF-style: chr6-109715276-A-T. GRCh37 (hg19) VCF-style: chr6-110036479-A-T.
Identifiers: ClinVar variation 681694 (VCV000681694.1), dbSNP rs6924436, ClinGen allele CA12302854.